The following is an entry in ClinVar:

NM_002206.3(ITGA7):c.2347C>A (p.Leu783Met)

Genes: ITGA7 (integrin subunit alpha 7; minus strand), LOC126861535 (CDK7 strongly-dependent group 2 enhancer GRCh37_chr12:56087579-56088778; plus strand). Cytogenetic location: 12q13.2.
Variant type: single nucleotide variant.
Coding change: c.2347C>A on transcript NM_002206.3 (MANE Select); coding-DNA position 2347, C replaced by A.
Protein change: p.Leu783Met; replaces leucine 783 with methionine.
Molecular consequence: missense variant.
Genome position (GRCh38, 1-based): chr12:55,694,453, G>T on the plus strand (C>A on the coding strand, the complement: ITGA7 is on the minus strand). VCF-style: chr12-55694453-G-T. GRCh37 (hg19) VCF-style: chr12-56088237-G-T.
Other names: c.2359C>A, p.Leu787Met (NM_001144996.2); c.2068C>A, p.Leu690Met (NM_001144997.2); c.2020C>A, p.Leu674Met (NM_001367993.1); c.1003C>A, p.Leu335Met (NM_001367994.1); c.2329C>A, p.Leu777Met (NM_001374465.1); c.2479C>A, p.Leu827Met (NM_001410977.1); c.2341C>A, p.Leu781Met (NM_001414029.1); c.2272C>A, p.Leu758Met (NM_001414030.1); and 5 more; short protein forms L335M, L674M, L787M, L783M, L690M, L777M, L827M, L670M.
Identifiers: ClinVar variation 834153 (VCV000834153.10), dbSNP rs1872177936, ClinGen allele CA385183077.

ClinVar aggregate classification (germline): Uncertain significance (1 of 4 stars; one submission).

Conditions:
Congenital muscular dystrophy due to integrin alpha-7 deficiency. Also called: Congenital muscular dystrophy with integrin alpha-7 deficiency; Muscular dystrophy, congenital, due to ITGA7 deficiency; MYOPATHY, CONGENITAL, DUE TO INTEGRIN ALPHA-7 DEFICIENCY. Identifiers: Orphanet 34520, MedGen C2750786, MONDO:0013177, OMIM 613204.

Allele frequency attached by ClinVar (database versions not stated): TOPMed below 0.00001.

Submission:

Labcorp Genetics (formerly Invitae), Labcorp
Classification: Uncertain significance for Congenital muscular dystrophy due to integrin alpha-7 deficiency. Last evaluated: 2022-07-05. Review status: criteria provided, single submitter. Criteria: Invitae Variant Classification Sherloc (09022015). Collection method: clinical testing. Allele origin: germline.
Comment: In summary, the available evidence is currently insufficient to determine the role of this variant in disease. Therefore, it has been classified as a Variant of Uncertain Significance. This variant has not been reported in the literature in individuals affected with ITGA7-related conditions. This sequence change replaces leucine, which is neutral and non-polar, with methionine, which is neutral and non-polar, at codon 783 of the ITGA7 protein (p.Leu783Met). This variant is not present in population databases (gnomAD no frequency). ClinVar contains an entry for this variant (Variation ID: 834153). Algorithms developed to predict the effect of missense changes on protein structure and function are either unavailable or do not agree on the potential impact of this missense change (SIFT: "Tolerated"; PolyPhen-2: "Possibly Damaging"; Align-GVGD: "Class C0").